The following is an entry in ClinVar:

NM_005458.8(GABBR2):c.818A>G (p.Tyr273Cys)

Gene: GABBR2 (gamma-aminobutyric acid type B receptor subunit 2; minus strand). Cytogenetic location: 9q22.33.
Variant type: single nucleotide variant.
Coding change: c.818A>G on transcript NM_005458.8 (MANE Select); coding-DNA position 818, A replaced by G.
Protein change: p.Tyr273Cys; replaces tyrosine 273 with cysteine.
Molecular consequence: missense variant.
Genome position (GRCh38, 1-based): chr9:98,473,327, T>C on the plus strand (A>G on the coding strand, the complement: GABBR2 is on the minus strand). VCF-style: chr9-98473327-T-C. GRCh37 (hg19) VCF-style: chr9-101235609-T-C.
Other names: short protein forms Y273C.
Identifiers: ClinVar variation 2662438 (VCV002662438.4), dbSNP rs1273733485, ClinGen allele CA374351636.

ClinVar aggregate classification (germline): Uncertain significance. Review status: criteria provided, multiple submitters, no conflicts (2 of 4 stars). 2 submissions from 2 submitters: Uncertain significance (2). Last evaluated 2023-04-04.

Conditions:
Epileptic encephalopathy. Identifiers: MedGen C0543888, HP:0200134.

Allele frequency attached by ClinVar (database versions not stated): gnomAD exomes below 0.00001.
gnomAD v4.1: 1 of 1,612,368 alleles (0.000062%); highest among the groups gnomAD compares: Non-Finnish European, 0.000085%; no homozygotes.

Submissions (2):

GeneDx
Classification: Uncertain significance. Last evaluated: 2023-04-04. Review status: criteria provided, single submitter. Criteria: GeneDx Variant Classification Process June 2021. Collection method: clinical testing. Allele origin: germline. Affected: yes.
Comment: Not observed at significant frequency in large population cohorts (gnomAD); In silico analysis supports that this missense variant has a deleterious effect on protein structure/function; Has not been previously published as pathogenic or benign to our knowledge

Labcorp Genetics (formerly Invitae), Labcorp
Classification: Uncertain significance for Epileptic encephalopathy. Last evaluated: 2022-11-17. Review status: criteria provided, single submitter. Criteria: Invitae Variant Classification Sherloc (09022015). Collection method: clinical testing. Allele origin: germline.
Comment: In summary, the available evidence is currently insufficient to determine the role of this variant in disease. Therefore, it has been classified as a Variant of Uncertain Significance. Advanced modeling of protein sequence and biophysical properties (such as structural, functional, and spatial information, amino acid conservation, physicochemical variation, residue mobility, and thermodynamic stability) has been performed at Invitae for this missense variant, however the output from this modeling did not meet the statistical confidence thresholds required to predict the impact of this variant on GABBR2 protein function. This variant has not been reported in the literature in individuals affected with GABBR2-related conditions. This variant is not present in population databases (gnomAD no frequency). This sequence change replaces tyrosine, which is neutral and polar, with cysteine, which is neutral and slightly polar, at codon 273 of the GABBR2 protein (p.Tyr273Cys).